The following is an entry in ClinVar:

NM_001130987.2(DYSF):c.5976A>C (p.Pro1992=)

Gene: DYSF (dysferlin; plus strand). Cytogenetic location: 2p13.2.
Variant type: single nucleotide variant.
Coding change: c.5976A>C on transcript NM_001130987.2 (MANE Select); coding-DNA position 5976, A replaced by C.
Protein change: p.Pro1992=; no amino-acid change (proline 1992 retained).
Molecular consequence: synonymous variant.
Genome position (GRCh38, 1-based): chr2:71,679,148, A>C. VCF-style: chr2-71679148-A-C. GRCh37 (hg19) VCF-style: chr2-71906278-A-C.
Other names: p.Pro1953=; c.5862A>C, p.Pro1954= (NM_001130455.2); c.5817A>C, p.Pro1939= (NM_001130976.2); c.5880A>C, p.Pro1960= (NM_001130977.2); c.5922A>C, p.Pro1974= (NM_001130978.2); c.5952A>C, p.Pro1984= (NM_001130979.2); c.5910A>C, p.Pro1970= (NM_001130980.2); c.5973A>C, p.Pro1991= (NM_001130981.2); and 6 more.
Identifiers: ClinVar variation 94348 (VCV000094348.39), dbSNP rs17718530, ClinGen allele CA147772.

ClinVar aggregate classification (germline): Benign/Likely benign. Review status: criteria provided, multiple submitters, no conflicts (2 of 4 stars). 18 submissions from 16 submitters: Benign (13); Likely benign (1). 4 of the submissions do not count toward it. Last evaluated 2026-03-15.

Conditions:
Neuromuscular disease caused by qualitative or quantitative defects of dysferlin. Also called: Qualitative or quantitative defects of dysferlin; Dysferlinopathy. Identifiers: Orphanet 207073, MedGen C2931687, MONDO:0016145.
Miyoshi muscular dystrophy 1 (MMD1). Identifiers: Orphanet 45448, MedGen C4551973, MONDO:0024545, OMIM 254130.
Autosomal recessive limb-girdle muscular dystrophy type 2B (LGMDR2). Also called: MUSCULAR DYSTROPHY, LIMB-GIRDLE, TYPE 3; Limb-girdle muscular dystrophy, type 2B; Limb-Girdle Muscular Dystrophy Type 2B (LGMD2B); MUSCULAR DYSTROPHY, LIMB-GIRDLE, AUTOSOMAL RECESSIVE 2. Identifiers: Orphanet 268, MedGen C1850889, MONDO:0009676, OMIM 253601.
Distal myopathy with anterior tibial onset. Identifiers: Orphanet 178400, MedGen C1847532, MONDO:0011721, OMIM 606768.

Allele frequency attached by ClinVar (database versions not stated): 1000 Genomes Project 30x 0.16880; 1000 Genomes Project 0.16893; TOPMed 0.19814; ESP Exome Variant Server 0.22382; gnomAD 0.23571.
gnomAD v4.1: 378,484 of 1,613,846 alleles (23%); highest among the groups gnomAD compares: Non-Finnish European, 25%; 46,718 homozygotes.

Submissions (18):

Women's Health and Genetics/Laboratory Corporation of America, LabCorp
Classification: Benign. Last evaluated: 2026-03-15. Review status: criteria provided, single submitter. Criteria: LabCorp Variant Classification Summary - May 2015. Collection method: clinical testing. Allele origin: germline.

Labcorp Genetics (formerly Invitae), Labcorp
Classification: Benign for Neuromuscular disease caused by qualitative or quantitative defects of dysferlin. Last evaluated: 2026-02-04. Review status: criteria provided, single submitter. Criteria: Invitae Variant Classification Sherloc (09022015). Collection method: clinical testing. Allele origin: germline.

Blueprint Genetics
Classification: Benign. Last evaluated: 2024-11-26. Review status: criteria provided, single submitter. Criteria: ACMG Guidelines, 2015. Collection method: clinical testing. Allele origin: germline.

Genome-Nilou Lab
Classification: Benign for Autosomal recessive limb-girdle muscular dystrophy type 2B. Last evaluated: 2021-07-30. Review status: criteria provided, single submitter. Criteria: ACMG Guidelines, 2015. Collection method: clinical testing. Allele origin: germline. Affected: no.

Genome-Nilou Lab
Classification: Benign for Distal myopathy with anterior tibial onset. Last evaluated: 2021-07-30. Review status: criteria provided, single submitter. Criteria: ACMG Guidelines, 2015. Collection method: clinical testing. Allele origin: germline. Affected: no.

Genome-Nilou Lab
Classification: Benign for Miyoshi muscular dystrophy 1. Last evaluated: 2021-06-10. Review status: criteria provided, single submitter. Criteria: ACMG Guidelines, 2015. Collection method: clinical testing. Allele origin: germline. Affected: no.

Athena Diagnostics
Classification: Benign. Last evaluated: 2021-05-24. Review status: criteria provided, single submitter. Criteria: Athena Diagnostics Criteria. Collection method: clinical testing. Allele origin: unknown.

Illumina Laboratory Services, Illumina
Classification: Benign for Qualitative or quantitative defects of dysferlin. Last evaluated: 2018-01-13. Review status: criteria provided, single submitter. Criteria: ICSL Variant Classification Criteria 13 December 2019. Collection method: clinical testing. Allele origin: germline.
Comment: This variant was observed in the ICSL laboratory as part of a predisposition screen in an ostensibly healthy population. It had not been previously curated by ICSL or reported in the Human Gene Mutation Database (HGMD: prior to June 1st, 2018), and was therefore a candidate for classification through an automated scoring system. Utilizing variant allele frequency, disease prevalence and penetrance estimates, and inheritance mode, an automated score was calculated to assess if this variant is too frequent to cause the disease. Based on the score and internal cut-off values, a variant classified as benign is not then subjected to further curation. The score for this variant resulted in a classification of benign for this disease.

Mayo Clinic Laboratories, Mayo Clinic
Classification: Benign. Last evaluated: 2017-07-25. Review status: criteria provided, single submitter. Criteria: ACMG Guidelines, 2015. Collection method: clinical testing. Allele origin: germline. Observed: 439 variant alleles.

GeneDx
Classification: Benign. Last evaluated: 2016-01-05. Review status: criteria provided, single submitter. Criteria: GeneDx Variant Classification (06012015). Collection method: clinical testing. Allele origin: germline. Affected: yes.
Comment: This variant is considered likely benign or benign based on one or more of the following criteria: it is a conservative change, it occurs at a poorly conserved position in the protein, it is predicted to be benign by multiple in silico algorithms, and/or has population frequency not consistent with disease.

Laboratory for Molecular Medicine, Mass General Brigham Personalized Medicine
Classification: Benign. Last evaluated: 2015-01-13. Review status: criteria provided, single submitter. Criteria: LMM Criteria. Collection method: clinical testing. Allele origin: germline. Observed: 3 variant alleles.
Comment: p.Pro1992Pro in exon 53 of DYSF: This variant is not expected to have clinical s ignificance because it does not alter an amino acid residue and is not located w ithin the splice consensus sequence. It has been identified in 25.0% (2153/8600) of European American chromosomes from a broad population by the NHLBI Exome Seq uencing Project (dbSNP rs17718530).

Eurofins Ntd Llc (ga)
Classification: Benign. Last evaluated: 2013-09-19. Review status: criteria provided, single submitter. Criteria: EGL Classification Definitions 2015. Collection method: clinical testing. Allele origin: germline. Observed: 94 variant alleles, 80 heterozygotes, 14 homozygotes.

Breakthrough Genomics
Classification: Likely benign. Review status: criteria provided, single submitter. Criteria: ACMG Guidelines, 2015. Collection method: not provided. Allele origin: germline. Inheritance: Autosomal recessive inheritance. Affected: yes.

PreventionGenetics, part of Exact Sciences
Classification: Benign. Review status: criteria provided, single submitter. Criteria: ACMG Guidelines, 2015. Collection method: clinical testing. Allele origin: germline.

Natera, Inc.
Classification: Benign for Limb-girdle muscular dystrophy type 2B. Last evaluated: 2020-09-16. Review status: no assertion criteria provided. Collection method: clinical testing. Allele origin: germline. Not counted in ClinVar's aggregate classification.

Clinical Genetics, Academic Medical Center
Classification: Benign. Review status: no assertion criteria provided. Collection method: clinical testing. Allele origin: germline. Affected: yes. Study: VKGL Data-share Consensus. Not counted in ClinVar's aggregate classification.

Genetic Services Laboratory, University of Chicago
Classification: Likely benign for AllHighlyPenetrant. Review status: no assertion criteria provided. Collection method: clinical testing. Allele origin: germline. Inheritance: Autosomal recessive inheritance. Not counted in ClinVar's aggregate classification.
Comment: Likely benign based on allele frequency in 1000 Genomes Project or ESP global frequency and its presence in a patient with a rare or unrelated disease phenotype. NOT Sanger confirmed.

Joint Genome Diagnostic Labs from Nijmegen and Maastricht, Radboudumc and MUMC+
Classification: Benign. Review status: no assertion criteria provided. Collection method: clinical testing. Allele origin: germline. Affected: yes. Study: VKGL Data-share Consensus. Not counted in ClinVar's aggregate classification.